The following is an entry in ClinVar:

ClinVar aggregate classification (germline): Uncertain significance (1 of 4 stars; one submission).

Allele frequency attached by ClinVar (database versions not stated): gnomAD exomes 0.00001 and 0.00004.
gnomAD v4.1: 6 of 1,549,194 alleles (0.00039%); highest among the groups gnomAD compares: Admixed American, 0.012%; no homozygotes.

Submission:

Labcorp Genetics (formerly Invitae), Labcorp
Classification: Uncertain significance. Last evaluated: 2022-07-06. Review status: criteria provided, single submitter. Criteria: Invitae Variant Classification Sherloc (09022015). Collection method: clinical testing. Allele origin: germline.
Comment: In summary, the available evidence is currently insufficient to determine the role of this variant in disease. Therefore, it has been classified as a Variant of Uncertain Significance. Algorithms developed to predict the effect of missense changes on protein structure and function (SIFT, PolyPhen-2, Align-GVGD) all suggest that this variant is likely to be tolerated. ClinVar contains an entry for this variant (Variation ID: 1436110). This variant has not been reported in the literature in individuals affected with OTOG-related conditions. This variant is present in population databases (no rsID available, gnomAD 0.03%). This sequence change replaces phenylalanine, which is neutral and non-polar, with leucine, which is neutral and non-polar, at codon 2615 of the OTOG protein (p.Phe2615Leu).

NM_001292063.2(OTOG):c.7809C>G (p.Phe2603Leu)

Gene: OTOG (otogelin; plus strand). Cytogenetic location: 11p15.1.
Variant type: single nucleotide variant.
Coding change: c.7809C>G on transcript NM_001292063.2 (MANE Select); coding-DNA position 7809, C replaced by G.
Protein change: p.Phe2603Leu; replaces phenylalanine 2603 with leucine.
Molecular consequence: missense variant.
Genome position (GRCh38, 1-based): chr11:17,638,464, C>G. VCF-style: chr11-17638464-C-G. GRCh37 (hg19) VCF-style: chr11-17660011-C-G.
Other names: c.7845C>G, p.Phe2615Leu (NM_001277269.2); short protein forms F2615L, F2603L.
Identifiers: ClinVar variation 1436110 (VCV001436110.6), dbSNP rs1213755361, ClinGen allele CA379780642.
Genomic context (GRCh38, chr11:17,638,464, plus strand): 5'-CCCAGGTGCCTGTGACTGACGTGTCAACTGCCTCTCCTTCCCCACAGTGTGTGAGAACTT[C>G]CGCTGTCCCCAAGTGCAGTGTGGCCTGGGCACTGCCCTGGTGGAGGTGTGGAGCCCCGAC-3'
Protein context (NP_001278992.1, residues 2593-2613): CPLYQCVCEN[Phe2603Leu]RCPQVQCGLG